The following is an entry in ClinVar:

ClinVar aggregate classification (germline): Uncertain significance. Review status: criteria provided, multiple submitters, no conflicts (2 of 4 stars). 2 submissions from 2 submitters: Uncertain significance (2). Last evaluated 2024-02-15.

Submissions (2):

GeneDx
Classification: Uncertain significance. Last evaluated: 2024-02-15. Review status: criteria provided, single submitter. Criteria: GeneDx Variant Classification Process June 2021. Collection method: clinical testing. Allele origin: germline. Affected: yes.
Comment: Not observed at significant frequency in large population cohorts (gnomAD); In silico analysis supports that this missense variant does not alter protein structure/function; Has not been previously published as pathogenic or benign to our knowledge

Labcorp Genetics (formerly Invitae), Labcorp
Classification: Uncertain significance. Last evaluated: 2021-07-22. Review status: criteria provided, single submitter. Criteria: Invitae Variant Classification Sherloc (09022015). Collection method: clinical testing. Allele origin: germline.
Comment: In summary, the available evidence is currently insufficient to determine the role of this variant in disease. Therefore, it has been classified as a Variant of Uncertain Significance. Algorithms developed to predict the effect of missense changes on protein structure and function output the following: SIFT: "Deleterious"; PolyPhen-2: "Possibly Damaging"; Align-GVGD: "Class C15". The leucine amino acid residue is found in multiple mammalian species, which suggests that this missense change does not adversely affect protein function. This variant has not been reported in the literature in individuals affected with VCAN-related conditions. This variant is not present in population databases (ExAC no frequency). This sequence change replaces phenylalanine with leucine at codon 1185 of the VCAN protein (p.Phe1185Leu). The phenylalanine residue is highly conserved and there is a small physicochemical difference between phenylalanine and leucine.

NM_004385.5(VCAN):c.3553T>C (p.Phe1185Leu)

Gene: VCAN (versican; plus strand). Cytogenetic location: 5q14.3.
Variant type: single nucleotide variant.
Coding change: c.3553T>C on transcript NM_004385.5 (MANE Select); coding-DNA position 3553, T replaced by C.
Protein change: p.Phe1185Leu; replaces phenylalanine 1185 with leucine.
Molecular consequence: missense variant. On other transcripts: intron variant (2).
Genome position (GRCh38, 1-based): chr5:83,521,859, T>C. VCF-style: chr5-83521859-T-C. GRCh37 (hg19) VCF-style: chr5-82817678-T-C.
Other names: c.3553T>C (NM_004385.4); c.3553T>C, p.Phe1185Leu (NM_001164098.2); c.1042+9463T>C (NM_001164097.2, NM_001126336.3); short protein forms F1185L.
Identifiers: ClinVar variation 1394972 (VCV001394972.9), dbSNP rs2112412886, ClinGen allele CA360306309.